The following is an entry in ClinVar:

NM_001166108.2(PALLD):c.1387C>T (p.Arg463Trp)

Gene: PALLD (palladin, cytoskeletal associated protein; plus strand). Cytogenetic location: 4q32.3.
Variant type: single nucleotide variant.
Coding change: c.1387C>T on transcript NM_001166108.2 (MANE Select); coding-DNA position 1387, C replaced by T.
Protein change: p.Arg463Trp; replaces arginine 463 with tryptophan.
Molecular consequence: missense variant.
Genome position (GRCh38, 1-based): chr4:168,690,654, C>T. VCF-style: chr4-168690654-C-T. GRCh37 (hg19) VCF-style: chr4-169611805-C-T.
Other names: c.241C>T, p.Arg81Trp (NM_001166109.2); c.1387C>T, p.Arg463Trp (NM_016081.4); short protein forms R81W, R463W.
Identifiers: ClinVar variation 2447311 (VCV002447311.2), dbSNP rs754805635, ClinGen allele CA3135601.
Genomic context (GRCh38, chr4:168,690,654, plus strand): 5'-GAATTTCAGGAACTGCAAAACACAGCCGTGGCGGAAGGCCAGGTGGTGGTTCTGGAGTGC[C>T]GGGTCCGTGGGGCACCCCCTCTGCAGGTCCAGTGGTTTCGGCAAGGGAGTGAAATCCAAG-3'
Protein context (NP_001159580.1, residues 453-473): AEGQVVVLEC[Arg463Trp]VRGAPPLQVQ

ClinVar aggregate classification (germline): Uncertain significance (1 of 4 stars; one submission).

Allele frequency attached by ClinVar (database versions not stated): gnomAD 0.00002; gnomAD exomes 0.00002; TOPMed 0.00002; ExAC 0.00003.
gnomAD v4.1: 36 of 1,613,990 alleles (0.0022%); highest among the groups gnomAD compares: South Asian, 0.0055%; no homozygotes.

Submission:

Ambry Genetics
Classification: Uncertain significance. Last evaluated: 2022-11-18. Review status: criteria provided, single submitter. Criteria: Ambry Variant Classification Scheme 2023. Collection method: clinical testing. Allele origin: germline.
Comment: The p.R463W variant (also known as c.1387C>T), located in coding exon 6 of the PALLD gene, results from a C to T substitution at nucleotide position 1387. The arginine at codon 463 is replaced by tryptophan, an amino acid with dissimilar properties. This amino acid position is conserved. In addition, this alteration is predicted to be deleterious by in silico analysis. Since supporting evidence is limited at this time, the clinical significance of this alteration remains unclear.